The following is an entry in ClinVar:

ClinVar aggregate classification (germline): Likely benign (1 of 4 stars; one submission).

Conditions:
SHANK2-related disorder.

Allele frequency attached by ClinVar (database versions not stated): TOPMed below 0.00001.

Submission:

PreventionGenetics, part of Exact Sciences
Classification: Likely benign for SHANK2-related condition. Last evaluated: 2019-03-21. Review status: criteria provided, single submitter. Criteria: ACMG Guidelines, 2015. Collection method: clinical testing. Allele origin: germline.
Comment: This variant is classified as likely benign based on ACMG/AMP sequence variant interpretation guidelines (Richards et al. 2015 PMID: 25741868, with internal and published modifications).

NM_012309.5(SHANK2):c.5079G>A (p.Arg1693=)

Gene: SHANK2 (SH3 and multiple ankyrin repeat domains 2; minus strand). Cytogenetic location: 11q13.3.
Variant type: single nucleotide variant.
Coding change: c.5079G>A on transcript NM_012309.5 (MANE Select); coding-DNA position 5079, G replaced by A.
Protein change: p.Arg1693=; no amino-acid change (arginine 1693 retained).
Molecular consequence: synonymous variant. On other transcripts: non-coding transcript variant (1).
Genome position (GRCh38, 1-based): chr11:70,473,340, C>T on the plus strand (G>A on the coding strand, the complement: SHANK2 is on the minus strand). VCF-style: chr11-70473340-C-T. GRCh37 (hg19) VCF-style: chr11-70319445-C-T.
Other names: c.3942G>A, p.Arg1314= (NM_001379226.1); c.3315G>A, p.Arg1105= (NM_133266.5).
Identifiers: ClinVar variation 3044250 (VCV003044250.1), dbSNP rs2058620789, ClinGen allele CA475470760.